The following is an entry in ClinVar:

NM_017763.6(RNF43):c.615G>A (p.Val205=)

Gene: RNF43 (ring finger protein 43; minus strand). Cytogenetic location: 17q22.
Variant type: single nucleotide variant.
Coding change: c.615G>A on transcript NM_017763.6 (MANE Select); coding-DNA position 615, G replaced by A.
Protein change: p.Val205=; no amino-acid change (valine 205 retained).
Molecular consequence: synonymous variant.
Genome position (GRCh38, 1-based): chr17:58,362,616, C>T on the plus strand (G>A on the coding strand, the complement: RNF43 is on the minus strand). VCF-style: chr17-58362616-C-T. GRCh37 (hg19) VCF-style: chr17-56439977-C-T.
Other names: c.615G>A, p.Val205= (NM_001305544.3); c.234G>A, p.Val78= (NM_001305545.2); c.615G>A (NM_017763.4).
Identifiers: ClinVar variation 1565302 (VCV001565302.12), dbSNP rs377300761, ClinGen allele CA8673364.

ClinVar aggregate classification (germline): Benign/Likely benign. Review status: criteria provided, multiple submitters, no conflicts (2 of 4 stars). 4 submissions from 4 submitters: Benign (1); Likely benign (3). Last evaluated 2026-06-30.

Conditions:
Sessile serrated polyposis cancer syndrome (SSPCS). Identifiers: Orphanet 157798, MedGen C4310714, MONDO:0014919, OMIM 617108.

Allele frequency attached by ClinVar (database versions not stated): TOPMed 0.00001; gnomAD 0.00003; ESP Exome Variant Server 0.00008; gnomAD exomes 0.00003 and 0.00004; ExAC 0.00003.
gnomAD v4.1: 67 of 1,611,602 alleles (0.0042%); highest among the groups gnomAD compares: Non-Finnish European, 0.0054%; 1 homozygote.

Submissions (4):

Myriad Genetics, Inc.
Classification: Benign for Sessile serrated polyposis cancer syndrome. Last evaluated: 2026-06-30. Review status: criteria provided, single submitter. Criteria: Myriad Autosomal Dominant, Autosomal Recessive and X-Linked Classification Criteria (2023). Collection method: clinical testing. Allele origin: unknown.
Comment: This variant is considered benign. This variant is a silent/synonymous amino acid change and it is not expected to impact splicing.

Labcorp Genetics (formerly Invitae), Labcorp
Classification: Likely benign. Last evaluated: 2025-03-11. Review status: criteria provided, single submitter. Criteria: Invitae Variant Classification Sherloc (09022015). Collection method: clinical testing. Allele origin: germline.

Center for Genomic Medicine, Rigshospitalet, Copenhagen University Hospital
Classification: Likely benign. Last evaluated: 2025-03-04. Review status: criteria provided, single submitter. Criteria: ACMG Guidelines, 2015. Collection method: clinical testing. Allele origin: germline.

Ambry Genetics
Classification: Likely benign. Last evaluated: 2024-11-26. Review status: criteria provided, single submitter. Criteria: Ambry Variant Classification Scheme 2023. Collection method: clinical testing. Allele origin: germline.